The following is an entry in ClinVar:

ClinVar aggregate classification (germline): Conflicting classifications of pathogenicity. Review status: criteria provided, conflicting classifications (1 of 4 stars). 6 submissions from 6 submitters: Uncertain significance (1); Likely benign (5). Last evaluated 2026-01-05.

Conditions:
Inborn genetic diseases. Identifiers: MedGen C0950123, MeSH D030342.
Rafiq syndrome (RAFQS). Identifiers: Orphanet 88616, MedGen C3280127, MONDO:0013624, OMIM 614202.

Allele frequency attached by ClinVar (database versions not stated): 1000 Genomes Project 30x 0.00047; 1000 Genomes Project 0.00060; gnomAD 0.00146 and 0.00151; TOPMed 0.00152; ExAC 0.00158; gnomAD exomes 0.00163 and 0.00238; ESP Exome Variant Server 0.00177.
gnomAD v4.1: 3,679 of 1,613,870 alleles (0.23%); highest among the groups gnomAD compares: Non-Finnish European, 0.28%; 9 homozygotes.

Submissions (6):

Labcorp Genetics (formerly Invitae), Labcorp
Classification: Likely benign for Rafiq syndrome. Last evaluated: 2026-01-05. Review status: criteria provided, single submitter. Criteria: Invitae Variant Classification Sherloc (09022015). Collection method: clinical testing. Allele origin: germline.

CeGaT Center for Human Genetics Tuebingen
Classification: Likely benign. Last evaluated: 2025-04-01. Review status: criteria provided, single submitter. Criteria: CeGaT Center For Human Genetics Tuebingen Variant Classification Criteria Version 2. Collection method: clinical testing. Allele origin: germline. Affected: yes. Observed: 3 variant alleles.
Comment: MAN1B1: BP4, BP7

Blueprint Genetics
Classification: Likely benign. Last evaluated: 2024-11-14. Review status: criteria provided, single submitter. Criteria: ACMG Guidelines, 2015. Collection method: clinical testing. Allele origin: germline.

Illumina Laboratory Services, Illumina
Classification: Uncertain significance for Rafiq syndrome. Last evaluated: 2018-01-12. Review status: criteria provided, single submitter. Criteria: ICSL Variant Classification Criteria 13 December 2019. Collection method: clinical testing. Allele origin: germline.

Ambry Genetics
Classification: Likely benign for Inborn genetic diseases. Last evaluated: 2016-06-27. Review status: criteria provided, single submitter. Criteria: Ambry Variant Classification Scheme 2023. Collection method: clinical testing. Allele origin: germline.

Genetic Services Laboratory, University of Chicago
Classification: Likely benign. Last evaluated: 2016-02-22. Review status: criteria provided, single submitter. Criteria: ACMG Guidelines, 2015. Collection method: clinical testing. Allele origin: germline. Affected: no.

NM_016219.5(MAN1B1):c.1173C>T (p.Ser391=)

Gene: MAN1B1 (mannosidase alpha class 1B member 1; plus strand). Cytogenetic location: 9q34.3.
Variant type: single nucleotide variant.
Coding change: c.1173C>T on transcript NM_016219.5 (MANE Select); coding-DNA position 1173, C replaced by T.
Protein change: p.Ser391=; no amino-acid change (serine 391 retained).
Molecular consequence: synonymous variant. On other transcripts: non-coding transcript variant (2).
Genome position (GRCh38, 1-based): chr9:137,101,591, C>T. VCF-style: chr9-137101591-C-T. GRCh37 (hg19) VCF-style: chr9-139996043-C-T.
Identifiers: ClinVar variation 435805 (VCV000435805.52), dbSNP rs145704211, ClinGen allele CA5358935.
Genomic context (GRCh38, chr9:137,101,591, plus strand): 5'-GATTCCTTACTCGGATGTGAACATCGGTACTGGAGTTGCCCACCCGCCACGGTGGACCTC[C>T]GACAGCACTGTGGCCGAGGTGACCAGCATTCAGCTGGAGTTCCGGGAGCTCTCCCGTCTC-3'
Protein context (NP_057303.2, residues 381-401): TGVAHPPRWT[Ser391=]DSTVAEVTSI